The following is an entry in ClinVar:

ClinVar aggregate classification (germline): Pathogenic. Review status: criteria provided, single submitter (1 of 4 stars). 2 submissions from 2 submitters: Pathogenic (1). 1 of the submissions does not count toward it. Last evaluated 2022-08-19.

Conditions:
Xeroderma pigmentosum, group C (XPC). Also called: XPC-Related Xeroderma Pigmentosum; Xeroderma pigmentosum, complementation group C; XERODERMA PIGMENTOSUM III; XP, GROUP C. Identifiers: Orphanet 910, MedGen C2752147, MONDO:0010211, OMIM 278720.

Submissions (2):

Labcorp Genetics (formerly Invitae), Labcorp
Classification: Pathogenic. Last evaluated: 2022-08-19. Review status: criteria provided, single submitter. Criteria: Invitae Variant Classification Sherloc (09022015). Collection method: clinical testing. Allele origin: germline.
Comment: This sequence change creates a premature translational stop signal (p.Leu732Profs*67) in the XPC gene. It is expected to result in an absent or disrupted protein product. Loss-of-function variants in XPC are known to be pathogenic (PMID: 23173980, 25256075). This variant is not present in population databases (gnomAD no frequency). This variant has not been reported in the literature in individuals affected with XPC-related conditions. ClinVar contains an entry for this variant (Variation ID: 557267). For these reasons, this variant has been classified as Pathogenic.

Counsyl
Classification: Likely pathogenic for Xeroderma pigmentosum, group C. Last evaluated: 2018-03-14. Review status: no assertion criteria provided. Collection method: clinical testing. Allele origin: unknown. Not counted in ClinVar's aggregate classification.

Literature cited by the submitters: PubMed 23173980 (cited by Labcorp Genetics (formerly Invitae), Labcorp); PubMed 25256075 (cited by Labcorp Genetics (formerly Invitae), Labcorp).

NM_004628.5(XPC):c.2194dup (p.Leu732fs)

Gene: XPC (XPC complex subunit, DNA damage recognition and repair factor; minus strand). Cytogenetic location: 3p25.1.
Variant type: Duplication.
Coding change: c.2194dup on transcript NM_004628.5 (MANE Select); coding-DNA position 2194, one base duplicated (C; older notation c.2194dupC).
Protein change: p.Leu732fs; shifts the reading frame from leucine 732.
Molecular consequence: frameshift variant. On other transcripts: non-coding transcript variant (2).
Genome position (GRCh38, 1-based): chr3:14,148,870, G duplicated on the plus strand (C on the coding strand, the reverse complement: XPC is on the minus strand); the first of 2 consecutive G bases (chr3:14,148,870-14,148,871); duplicating either gives the same sequence. VCF-style (leftmost placement, unchanged base first): chr3-14148869-A-AG. GRCh37 (hg19) VCF-style: chr3-14190369-A-AG.
Other names: c.2194dupC (NM_004628.4); c.1615dup, p.Leu539fs (NM_001354726.2); c.2188dup, p.Leu730fs (NM_001354727.2); c.2176dup, p.Leu726fs (NM_001354729.2); c.1948dup, p.Leu650fs (NM_001354730.2); short protein forms L539fs, L732fs, L650fs, L730fs, L726fs.
Identifiers: ClinVar variation 557267 (VCV000557267.16), dbSNP rs1309116467, ClinGen allele CA658822343.
Genomic context (GRCh38, chr3:14,148,869, plus strand): 5'-CTTACCTTCCCGTCCACGGCCACTGGGGGCTGATACTCCTCTGTCTGCCAGTAGCCAAAC[A>AG]GGCCCAGGTCATTTTCTTCCCGCAGCTGGGGCTCAGCAAGTCGGGCTTTCCGAGCACGGT-3'